The following is an entry in ClinVar:

ClinVar aggregate classification (germline): Uncertain significance (1 of 4 stars; one submission).

Conditions:
Developmental and epileptic encephalopathy, 14 (DEE14). Also called: Early infantile epileptic encephalopathy 14. Identifiers: Orphanet 293181, MedGen C3554195, MONDO:0013989, OMIM 614959.

Submission:

MVZ Medizinische Genetik Mainz
Classification: Uncertain significance for Developmental and epileptic encephalopathy, 14. Last evaluated: 2022-03-18. Review status: criteria provided, single submitter. Criteria: UK Practice Guidelines For Variant Classification V4 01 2020. Collection method: clinical testing. Allele origin: germline. Inheritance: Autosomal dominant inheritance. Affected: yes. Observed: 1 variant allele.
Comment: ACMG Criteria: PM6, PM2_SUP, PP3

NM_020822.3(KCNT1):c.1004T>A (p.Ile335Asn)

Gene: KCNT1 (potassium sodium-activated channel subfamily T member 1; plus strand). Cytogenetic location: 9q34.3.
Variant type: single nucleotide variant.
Coding change: c.1004T>A on transcript NM_020822.3 (MANE Select); coding-DNA position 1004, T replaced by A.
Protein change: p.Ile335Asn; replaces isoleucine 335 with asparagine.
Molecular consequence: missense variant.
Genome position (GRCh38, 1-based): chr9:135,759,828, T>A. VCF-style: chr9-135759828-T-A. GRCh37 (hg19) VCF-style: chr9-138651674-T-A.
Other names: c.869T>A, p.Ile290Asn (NM_001272003.2); short protein forms I290N, I335N.
Identifiers: ClinVar variation 3234077 (VCV003234077.1), dbSNP rs2490862131, ClinGen allele CA375498674.